The following is an entry in ClinVar:

ClinVar aggregate classification (germline): Uncertain significance. Review status: criteria provided, multiple submitters, no conflicts (2 of 4 stars). 6 submissions from 6 submitters: Uncertain significance (5). 1 of the submissions does not count toward it. Last evaluated 2025-11-30.

Conditions:
Dilated cardiomyopathy 3B (CMD3B). Also called: CARDIOMYOPATHY, DILATED, X-LINKED; DMD-Associated Dilated Cardiomyopathy; CMD3B: DMD-Related Dilated Cardiomyopathy. Identifiers: Orphanet 154, MedGen C3668940, MONDO:0010542, OMIM 302045.
Duchenne muscular dystrophy (DMD). Also called: MUSCULAR DYSTROPHY, PSEUDOHYPERTROPHIC PROGRESSIVE, DUCHENNE TYPE; Duchenne Muscular Dystrophy (DMD). Identifiers: Orphanet 98896, MedGen C0013264, MONDO:0010679, OMIM 310200.
Dystrophin deficiency.
Cardiovascular phenotype. Identifiers: MedGen CN230736.

Submissions (6):

Labcorp Genetics (formerly Invitae), Labcorp
Classification: Uncertain significance for Duchenne muscular dystrophy. Last evaluated: 2025-11-30. Review status: criteria provided, single submitter. Criteria: Invitae Variant Classification Sherloc (09022015). Collection method: clinical testing. Allele origin: germline.
Comment: This sequence change replaces threonine, which is neutral and polar, with proline, which is neutral and non-polar, at codon 1683 of the DMD protein (p.Thr1683Pro). This variant is not present in population databases (gnomAD no frequency). This variant has not been reported in the literature in individuals affected with DMD-related conditions. ClinVar contains an entry for this variant (Variation ID: 368244). Invitae Evidence Modeling of protein sequence and biophysical properties (such as structural, functional, and spatial information, amino acid conservation, physicochemical variation, residue mobility, and thermodynamic stability) indicates that this missense variant is not expected to disrupt DMD protein function with a negative predictive value of 95%. In summary, the available evidence is currently insufficient to determine the role of this variant in disease. Therefore, it has been classified as a Variant of Uncertain Significance.

Clinical Genomics Laboratory, Washington University in St. Louis
Classification: Uncertain significance for Dilated cardiomyopathy 3B. Last evaluated: 2024-10-17. Review status: criteria provided, single submitter. Criteria: ACMG Guidelines, 2015. Collection method: clinical testing. Allele origin: germline.
Comment: The DMD c.5047A>C (p.Thr1683Pro) variant, to our knowledge, has not been reported in the medical literature and is absent in the general population (gnomAD v.2.1.1), indicating that it is not a common variant. This variant was reported in the ClinVar database as a variant of uncertain significance by four submitters (ClinVar ID: 368244). Computational predictors indicate that this variant has no impact on DMD function. Due to limited information and based on ACMG/AMP guidelines for variant interpretation (Richards S et al., PMID: 25741868), the clinical significance of this variant is uncertain at this time.

Blueprint Genetics
Classification: Uncertain significance. Last evaluated: 2024-07-12. Review status: criteria provided, single submitter. Criteria: ACMG Guidelines, 2015. Collection method: clinical testing. Allele origin: germline.

Ambry Genetics
Classification: Uncertain significance for Cardiovascular phenotype. Last evaluated: 2023-03-24. Review status: criteria provided, single submitter. Criteria: Ambry Variant Classification Scheme 2023. Collection method: clinical testing. Allele origin: germline.
Comment: The p.T1683P variant (also known as c.5047A>C), located in coding exon 36 of the DMD gene, results from an A to C substitution at nucleotide position 5047. The threonine at codon 1683 is replaced by proline, an amino acid with highly similar properties. This amino acid position is not well conserved in available vertebrate species. In addition, this alteration is predicted to be tolerated by in silico analysis. Since supporting evidence is limited at this time, the clinical significance of this alteration remains unclear.

Illumina Laboratory Services, Illumina
Classification: Uncertain significance for Dilated cardiomyopathy 3B. Last evaluated: 2018-01-12. Review status: criteria provided, single submitter. Criteria: ICSL Variant Classification Criteria 13 December 2019. Collection method: clinical testing. Allele origin: germline.

Natera, Inc.
Classification: Uncertain significance for Dystrophin deficiency. Last evaluated: 2020-09-16. Review status: no assertion criteria provided. Collection method: clinical testing. Allele origin: germline. Not counted in ClinVar's aggregate classification.

NM_004006.3(DMD):c.5047A>C (p.Thr1683Pro)

Gene: DMD (dystrophin; minus strand). Cytogenetic location: Xp21.1.
Variant type: single nucleotide variant.
Coding change: c.5047A>C on transcript NM_004006.3 (MANE Select); coding-DNA position 5047, A replaced by C.
Protein change: p.Thr1683Pro; replaces threonine 1683 with proline.
Molecular consequence: missense variant.
Genome position (GRCh38, 1-based): chrX:32,364,689, T>G on the plus strand (A>C on the coding strand, the complement: DMD is on the minus strand). VCF-style: chrX-32364689-T-G. GRCh37 (hg19) VCF-style: chrX-32382806-T-G.
Other names: c.5023A>C, p.Thr1675Pro (NM_000109.4); c.5035A>C, p.Thr1679Pro (NM_004009.3); c.4678A>C, p.Thr1560Pro (NM_004010.3); c.1024A>C, p.Thr342Pro (NM_004011.4); c.1015A>C, p.Thr339Pro (NM_004012.4); short protein forms T1683P, T342P, T1679P, T339P, T1560P, T1675P.
Identifiers: ClinVar variation 368244 (VCV000368244.14), dbSNP rs1057515873, ClinGen allele CA10646120.